The following is an entry in ClinVar:

NM_005188.4(CBL):c.82C>G (p.Leu28Val)

Genes: CBL (Cbl proto-oncogene; plus strand), LOC130006895 (ATAC-STARR-seq lymphoblastoid silent region 3975; plus strand). Cytogenetic location: 11q23.3.
Variant type: single nucleotide variant.
Coding change: c.82C>G on transcript NM_005188.4 (MANE Select); coding-DNA position 82, C replaced by G.
Protein change: p.Leu28Val; replaces leucine 28 with valine.
Molecular consequence: missense variant.
Genome position (GRCh38, 1-based): chr11:119,206,499, C>G. VCF-style: chr11-119206499-C-G. GRCh37 (hg19) VCF-style: chr11-119077209-C-G.
Other names: short protein forms L28V.
Identifiers: ClinVar variation 3827863 (VCV003827863.1).
Genomic context (GRCh38, chr11:119,206,499, plus strand): 5'-AGCTCTGGGGCCGGGGGCGGCAGCGGCTCCGGGGGCTCGGGTTCGGGTGGCCTGATTGGG[C>G]TCATGAAGGACGCCTTCCAGCCGCACCACCACCACCACCACCACCTCAGCCCCCACCCGC-3'
Protein context (NP_005179.2, residues 18-38): GGSGSGGLIG[Leu28Val]MKDAFQPHHH

ClinVar aggregate classification (germline): Uncertain significance (1 of 4 stars; one submission).

Conditions:
Cardiovascular phenotype. Identifiers: MedGen CN230736.

Submission:

Ambry Genetics
Classification: Uncertain significance for Cardiovascular phenotype. Last evaluated: 2025-02-28. Review status: criteria provided, single submitter. Criteria: Ambry Variant Classification Scheme 2023. Collection method: clinical testing. Allele origin: germline.
Comment: The p.L28V variant (also known as c.82C>G), located in coding exon 1 of the CBL gene, results from a C to G substitution at nucleotide position 82. The leucine at codon 28 is replaced by valine, an amino acid with highly similar properties. This amino acid position is conserved. In addition, this alteration is predicted to be tolerated by in silico analysis. Based on the available evidence, the clinical significance of this variant remains unclear.